The following is an entry in ClinVar:

NM_000051.4(ATM):c.1066-15A>G

Gene: ATM (ATM serine/threonine kinase; plus strand). Cytogenetic location: 11q22.3.
Variant type: single nucleotide variant.
Coding change: c.1066-15A>G on transcript NM_000051.4 (MANE Select); 15 bases into the intron before coding-DNA position 1066, A replaced by G.
Molecular consequence: intron variant.
Genome position (GRCh38, 1-based): chr11:108,248,918, A>G. VCF-style: chr11-108248918-A-G. GRCh37 (hg19) VCF-style: chr11-108119645-A-G.
Other names: c.1066-15A>G (NM_001351834.2).
Identifiers: ClinVar variation 490411 (VCV000490411.6), dbSNP rs771020891, ClinGen allele CA658683763.

ClinVar aggregate classification (germline): Likely benign. Review status: criteria provided, multiple submitters, no conflicts (2 of 4 stars). 3 submissions from 3 submitters: Likely benign (3). Last evaluated 2025-05-08.

Conditions:
Hereditary cancer-predisposing syndrome. Also called: Tumor predisposition; Neoplastic Syndromes, Hereditary; Hereditary Cancer Syndrome; Hereditary neoplastic syndrome. Identifiers: Orphanet 140162, MedGen C0027672, MeSH D009386, MONDO:0015356.
Familial cancer of breast. Also called: BREAST CANCER, FAMILIAL; hereditary breast carcinoma; Hereditary breast cancer. Identifiers: Orphanet 227535, MedGen C0346153, MONDO:0016419, OMIM 114480. Disease mechanism: loss of function.
Ataxia-telangiectasia syndrome (AT). Also called: Ataxia-telangiectasia; Ataxia-telangiectasia, complementation group D; AT, COMPLEMENTATION GROUP C; LOUIS-BAR SYNDROME; Cerebello-oculocutaneous telangiectasia; Immunodeficiency with ataxia telangiectasia. Identifiers: Orphanet 100, MedGen C0004135, MONDO:0008840, OMIM 208900.

Allele frequency attached by ClinVar (database versions not stated): gnomAD exomes below 0.00001.
gnomAD v4.1: 1 of 1,569,224 alleles (0.000064%); highest among the groups gnomAD compares: Non-Finnish European, 0.000087%; no homozygotes.

Submissions (3):

Labcorp Genetics (formerly Invitae), Labcorp
Classification: Likely benign for Ataxia-telangiectasia syndrome. Last evaluated: 2025-05-08. Review status: criteria provided, single submitter. Criteria: Invitae Variant Classification Sherloc (09022015). Collection method: clinical testing. Allele origin: germline.

Myriad Genetics, Inc.
Classification: Likely benign for Familial cancer of breast. Last evaluated: 2024-04-24. Review status: criteria provided, single submitter. Criteria: Myriad Autosomal Dominant, Autosomal Recessive and X-Linked Classification Criteria (2023). Collection method: clinical testing. Allele origin: unknown.
Comment: This variant is considered likely benign. This variant is intronic and is not expected to impact mRNA splicing.

Color Diagnostics, LLC DBA Color Health
Classification: Likely benign for Hereditary cancer-predisposing syndrome. Last evaluated: 2017-10-31. Review status: criteria provided, single submitter. Criteria: ACMG Guidelines, 2015. Collection method: clinical testing. Allele origin: germline.